The following is an entry in ClinVar:

ClinVar aggregate classification (germline): Uncertain significance. Review status: criteria provided, multiple submitters, no conflicts (2 of 4 stars). 2 submissions from 2 submitters: Uncertain significance (2). Last evaluated 2025-03-17.

Allele frequency attached by ClinVar (database versions not stated): gnomAD exomes 0.00002 and 0.00007; ExAC 0.00007; gnomAD 0.00007 and 0.00008.
gnomAD v4.1: 45 of 1,614,018 alleles (0.0028%); highest among the groups gnomAD compares: East Asian, 0.022%; no homozygotes.

Submissions (2):

Labcorp Genetics (formerly Invitae), Labcorp
Classification: Uncertain significance. Last evaluated: 2025-03-17. Review status: criteria provided, single submitter. Criteria: Invitae Variant Classification Sherloc (09022015). Collection method: clinical testing. Allele origin: germline.
Comment: This sequence change replaces aspartic acid, which is acidic and polar, with asparagine, which is neutral and polar, at codon 135 of the MAPKAPK3 protein (p.Asp135Asn). This variant is present in population databases (rs761480203, gnomAD 0.04%). This variant has not been reported in the literature in individuals affected with MAPKAPK3-related conditions. ClinVar contains an entry for this variant (Variation ID: 1465636). An algorithm developed to predict the effect of missense changes on protein structure and function (PolyPhen-2) suggests that this variant is likely to be tolerated. In summary, the available evidence is currently insufficient to determine the role of this variant in disease. Therefore, it has been classified as a Variant of Uncertain Significance.

Ambry Genetics
Classification: Uncertain significance. Last evaluated: 2023-06-07. Review status: criteria provided, single submitter. Criteria: Ambry Variant Classification Scheme 2023. Collection method: clinical testing. Allele origin: germline.

NM_001243925.2(MAPKAPK3):c.403G>A (p.Asp135Asn)

Gene: MAPKAPK3 (MAPK activated protein kinase 3; plus strand). Cytogenetic location: 3p21.2.
Variant type: single nucleotide variant.
Coding change: c.403G>A on transcript NM_001243925.2 (MANE Select); coding-DNA position 403, G replaced by A.
Protein change: p.Asp135Asn; replaces aspartic acid 135 with asparagine.
Molecular consequence: missense variant.
Genome position (GRCh38, 1-based): chr3:50,641,750, G>A. VCF-style: chr3-50641750-G-A. GRCh37 (hg19) VCF-style: chr3-50679181-G-A.
Other names: c.403G>A, p.Asp135Asn (NM_001243926.2, NM_004635.5); c.403G>A (NM_004635.4); short protein forms D135N.
Identifiers: ClinVar variation 1465636 (VCV001465636.10), dbSNP rs761480203, ClinGen allele CA2420238.
Genomic context (GRCh38, chr3:50,641,750, plus strand): 5'-AGTCACCTCTTTTACAGCATGGAAGGTGGTGAGTTGTTCAGCAGGATTCAGGAGCGTGGC[G>A]ACCAGGCTTTCACTGAGAGAGGTATGTGCATGTAGCTGGACCAGCAGGAGGATTCAGGGT-3'
Protein context (NP_001230854.1, residues 125-145): ELFSRIQERG[Asp135Asn]QAFTEREAAE